The following is an entry in ClinVar:

ClinVar aggregate classification (germline): Uncertain significance (1 of 4 stars; one submission).

gnomAD v4.1: 2 of 1,614,234 alleles (0.00012%); highest among the groups gnomAD compares: Non-Finnish European, 0.00017%; no homozygotes.

Submission:

GeneDx
Classification: Uncertain significance. Last evaluated: 2025-05-01. Review status: criteria provided, single submitter. Criteria: GeneDx Variant Classification Process June 2021. Collection method: clinical testing. Allele origin: germline. Affected: yes.
Comment: Not observed at significant frequency in large population cohorts (gnomAD); In silico analysis suggests that this missense variant does not alter protein structure/function; Has not been previously published as pathogenic or benign to our knowledge

NM_005909.5(MAP1B):c.4061A>C (p.Glu1354Ala)

Gene: MAP1B (microtubule associated protein 1B; plus strand). Cytogenetic location: 5q13.2.
Variant type: single nucleotide variant.
Coding change: c.4061A>C on transcript NM_005909.5 (MANE Select); coding-DNA position 4061, A replaced by C.
Protein change: p.Glu1354Ala; replaces glutamic acid 1354 with alanine.
Molecular consequence: missense variant.
Genome position (GRCh38, 1-based): chr5:72,197,416, A>C. VCF-style: chr5-72197416-A-C. GRCh37 (hg19) VCF-style: chr5-71493243-A-C.
Other names: c.3683A>C, p.Glu1228Ala (NM_001324255.2); short protein forms E1228A, E1354A.
Identifiers: ClinVar variation 4527062 (VCV004527062.1).
Genomic context (GRCh38, chr5:72,197,416, plus strand): 5'-CACCTTACTATCAATCTCCTACTGACGAGAAATCCAGTCATCTCCCTACAGAAGTCATTG[A>C]AAAACCACCAGCAGTTCCAGTGAGTTTTGAATTCAGTGATGCCAAAGATGAGAATGAAAG-3'
Protein context (NP_005900.2, residues 1344-1364): KSSHLPTEVI[Glu1354Ala]KPPAVPVSFE